The following is an entry in ClinVar:

ClinVar aggregate classification (germline): Pathogenic (3 of 4 stars; one submission).

Conditions:
Breast-ovarian cancer, familial, susceptibility to, 1 (BROVCA1). Also called: BRCA1 Hereditary Breast and Ovarian Cancer; OVARIAN CANCER, SUSCEPTIBILITY TO. Identifiers: Orphanet 145, MedGen C2676676, MONDO:0011450, OMIM 604370. Disease mechanism: loss of function.

Submission:

Evidence-based Network for the Interpretation of Germline Mutant Alleles (ENIGMA)
Classification: Pathogenic for Breast-ovarian cancer, familial, susceptibility to, 1. Last evaluated: 2016-09-08. Review status: reviewed by expert panel. Criteria: ENIGMA BRCA1/2 Classification Criteria (2015). Collection method: curation. Allele origin: germline.
Comment: Variant allele predicted to encode a truncated non-functional protein.

NM_007294.4(BRCA1):c.475del (p.Gly160fs)

Gene: BRCA1 (BRCA1 DNA repair associated; minus strand). Cytogenetic location: 17q21.31.
Variant type: Deletion.
Coding change: c.475del on transcript NM_007294.4 (MANE Select); coding-DNA position 475, one base deleted (C; older notation c.475delC).
Protein change: p.Gly160fs; shifts the reading frame from glycine 160.
Molecular consequence: frameshift variant. On other transcripts: non-coding transcript variant (1).
Genome position (GRCh38, 1-based): chr17:43,099,847, G deleted on the plus strand (C on the coding strand, the reverse complement: BRCA1 is on the minus strand); the first of 2 consecutive G bases (chr17:43,099,847-43,099,848); deleting either gives the same sequence. VCF-style (leftmost placement, unchanged base first): chr17-43099846-AG-A. GRCh37 (hg19) VCF-style: chr17-41251863-AG-A.
Other names: c.475delC (NM_007294.3); c.474delC, p.Gly160Glufs (NM_001407674.1, NM_001407675.1, NM_001407676.1 and 95 more transcripts); c.471delC, p.Gly159Glufs (NM_001407685.1, NM_001407686.1, NM_001407687.1 and 65 more transcripts); c.333delC, p.Gly113Glufs (NM_001407692.1, NM_001407694.1, NM_001407695.1 and 60 more transcripts); c.330delC, p.Gly112Glufs (NM_001407740.1, NM_001407741.1, NM_001407742.1 and 35 more transcripts); c.261delC, p.Gly89Glufs (NM_001407853.1, NM_001407894.1, NM_001407895.1 and 18 more transcripts); c.396delC, p.Gly134Glufs (NM_001407862.1, NM_001408409.1, NM_001407653.1 and 12 more transcripts); c.393delC, p.Gly133Glufs (NM_001407874.1, NM_001407875.1, NM_001408413.1 and 6 more transcripts); and 7 more; short protein forms G113fs, G160fs.
Identifiers: ClinVar variation 254377 (VCV000254377.3), dbSNP rs886037976, ClinGen allele CA10586668.